The following is an entry in ClinVar:

NM_003907.3(EIF2B5):c.633G>C (p.Arg211Ser)

Gene: EIF2B5 (eukaryotic translation initiation factor 2B subunit epsilon; plus strand). Cytogenetic location: 3q27.1.
Variant type: single nucleotide variant.
Coding change: c.633G>C on transcript NM_003907.3 (MANE Select); coding-DNA position 633, G replaced by C.
Protein change: p.Arg211Ser; replaces arginine 211 with serine.
Molecular consequence: missense variant.
Genome position (GRCh38, 1-based): chr3:184,138,024, G>C. VCF-style: chr3-184138024-G-C. GRCh37 (hg19) VCF-style: chr3-183855812-G-C.
Other names: short protein forms R211S.
Identifiers: ClinVar variation 2585016 (VCV002585016.1), dbSNP rs768305659, ClinGen allele CA2726434.
Genomic context (GRCh38, chr3:184,138,024, plus strand): 5'-CCACCCAACTCGTTGCCACGAAGACAATGTGGTAGTGGCTGTGGATAGTACCACAAACAG[G>C]GTTCTCCATTTTCAGAAGACCCAGGGTCTCCGGCGTTTTGCATTTCCTCTGGTGTGTGGA-3'
Protein context (NP_003898.2, residues 201-221): VVVAVDSTTN[Arg211Ser]VLHFQKTQGL

ClinVar aggregate classification (germline): Uncertain significance (1 of 4 stars; one submission).

Conditions:
Leukoencephalopathy with vanishing white matter 1 (VWM1). Also called: CHILDHOOD ATAXIA WITH CENTRAL NERVOUS SYSTEM HYPOMYELINIZATION; Cree leukoencephalopathy; Vanishing white matter leukodystrophy; EIF2B1-Related Childhood Ataxia with Central Nervous System Hypomyelination/Vanishing White Matter. Identifiers: Orphanet 99854, MedGen C5779972, MONDO:0020507, OMIM 603896.

Allele frequency attached by ClinVar (database versions not stated): ExAC 0.00001.

Submission:

Neuberg Centre For Genomic Medicine, NCGM
Classification: Uncertain significance for Leukoencephalopathy with vanishing white matter 1. Review status: criteria provided, single submitter. Criteria: ACMG Guidelines, 2015. Collection method: clinical testing. Allele origin: germline. Inheritance: Autosomal recessive inheritance. Affected: yes.
Comment: The missense variant c.633G>C (p.Arg211Ser) in EIF2B5 gene has not been reported previously as a pathogenic variant nor as a benign variant, to our knowledge. This p.Arg211Ser variant has allele frequency of 0.00080% in the gnomAD and novel (not in any individuals) in 1000 genome database. This variant has not been reported to the ClinVar database. The amino acid Arg at position 211 is changed to a Ser changing protein sequence and it might alter its composition and physico-chemical properties. The amino acid change p.Arg211Ser in EIF2B5 is predicted as conserved by GERP++ and PhyloP across 100 vertebrates. For these reasons, this variant has been classified as Uncertain Significance (VUS).